The following is an entry in ClinVar:

ClinVar aggregate classification (germline): Benign/Likely benign. Review status: criteria provided, multiple submitters, no conflicts (2 of 4 stars). 4 submissions from 4 submitters: Benign (1); Likely benign (3). Last evaluated 2024-12-12.

Conditions:
Hereditary cancer-predisposing syndrome. Also called: Tumor predisposition; Hereditary Cancer Syndrome; Hereditary neoplastic syndrome; Neoplastic Syndromes, Hereditary. Identifiers: Orphanet 140162, MedGen C0027672, MeSH D009386, MONDO:0015356.
Hereditary breast ovarian cancer syndrome. Also called: Breast and ovarian cancer; Hereditary breast and/or ovarian cancer syndrome; BRCA1- and BRCA2-Associated Hereditary Breast and Ovarian Cancer; Hereditary breast and ovarian cancer syndrome; Hereditary breast and ovarian cancer syndrome (HBOC); Hereditary breast and ovarian cancer. Identifiers: Orphanet 145, MedGen C0677776, MeSH D061325, MONDO:0003582. Disease mechanism: loss of function.

Allele frequency attached by ClinVar (database versions not stated): gnomAD exomes below 0.00001; gnomAD 0.00002.
gnomAD v4.1: 7 of 1,601,688 alleles (0.00044%); highest among the groups gnomAD compares: Non-Finnish European, 0.0006%; no homozygotes.

Submissions (5):

Labcorp Genetics (formerly Invitae), Labcorp
Classification: Likely benign for Hereditary breast ovarian cancer syndrome. Last evaluated: 2024-12-12. Review status: criteria provided, single submitter. Criteria: Invitae Variant Classification Sherloc (09022015). Collection method: clinical testing. Allele origin: germline.

Women's Health and Genetics/Laboratory Corporation of America, LabCorp
Classification: Likely benign. Last evaluated: 2022-01-06. Review status: criteria provided, single submitter. Criteria: LabCorp Variant Classification Summary - May 2015. Collection method: clinical testing. Allele origin: germline.
Comment: Variant summary: BRCA1 c.4987-4T>G alters a conserved nucleotide located close to a canonical splice site and therefore could affect mRNA splicing, leading to a significantly altered protein sequence. 3/4 computational tools predict no significant impact on normal splicing, which was supported by one experimental study (Wangensteen_2019). The variant was absent in 251290 control chromosomes. The available data on variant occurrences in the general population are insufficient to allow any conclusion about variant significance. To our knowledge, no occurrence of c.4987-4T>G in individuals affected with Hereditary Breast And Ovarian Cancer Syndrome has been reported. At least one publication reports experimental evidence evaluating an impact on protein function. These results showed no damaging effect of this variant (Findlay_2018). Two clinical diagnostic laboratories have submitted clinical-significance assessments for this variant to ClinVar after 2014 without evidence for independent evaluation. One laboratory classified the variant as likely benign, and one laboratory classified the variant as uncertain significance. Based on the evidence outlined above, the variant was classified as likely benign.

Color Diagnostics, LLC DBA Color Health
Classification: Likely benign for Hereditary cancer-predisposing syndrome. Last evaluated: 2021-08-13. Review status: criteria provided, single submitter. Criteria: ACMG Guidelines, 2015. Collection method: clinical testing. Allele origin: germline.

Ambry Genetics
Classification: Benign for Hereditary cancer-predisposing syndrome. Last evaluated: 2021-05-04. Review status: criteria provided, single submitter. Criteria: Ambry Variant Classification Scheme 2023. Collection method: clinical testing. Allele origin: germline.

Brotman Baty Institute, University of Washington
No classification provided (evidence only). Condition: Breast-ovarian cancer, familial 1. Review status: no classification provided. Collection method: in vitro. Allele origin: not applicable. Functional consequence: functionally_normal. Not counted in ClinVar's aggregate classification.
ClinVar note: "not provided" was previously submitted as the classification for the variant. However, the classification appeared to be based only on an observation of functional data so it was converted to no classification on 2025-07-30.

Literature cited by the submitters: PubMed 30209399 (cited by Women's Health and Genetics/Laboratory Corporation of America, LabCorp and Ambry Genetics); PubMed 31143303 (cited by Women's Health and Genetics/Laboratory Corporation of America, LabCorp and Ambry Genetics).

NM_007294.4(BRCA1):c.4987-4T>G

Gene: BRCA1 (BRCA1 DNA repair associated; minus strand). Cytogenetic location: 17q21.31.
Variant type: single nucleotide variant.
Coding change: c.4987-4T>G on transcript NM_007294.4 (MANE Select); 4 bases into the intron before coding-DNA position 4987, T replaced by G.
Molecular consequence: intron variant.
Genome position (GRCh38, 1-based): chr17:43,067,699, A>C on the plus strand (T>G on the coding strand, the complement: BRCA1 is on the minus strand). VCF-style: chr17-43067699-A-C. GRCh37 (hg19) VCF-style: chr17-41219716-A-C.
Other names: c.1534-4T>G (NM_001408458.1, NM_001408461.1, NM_001408464.1 and 7 more transcripts); c.4096-4T>G (NM_001407967.1); c.4606-4T>G (NM_001407959.1); c.4720-4T>G (NM_001407931.1, NM_001407932.1, NM_001407928.1 and 4 more transcripts); c.4843-4T>G (NM_001407747.1, NM_001407745.1, NM_001407737.1 and 21 more transcripts); c.4603-4T>G (NM_001407962.1, NM_001407960.1); c.1174-4T>G (NM_001408512.1); c.1297-4T>G (NM_001408510.1); and 71 more.
Identifiers: ClinVar variation 489726 (VCV000489726.20), dbSNP rs1157151499, ClinGen allele CA626081640.